The following is an entry in ClinVar:

NM_020919.4(ALS2):c.4837A>T (p.Arg1613Trp)

Gene: ALS2 (alsin Rho guanine nucleotide exchange factor ALS2; minus strand). Cytogenetic location: 2q33.1.
Variant type: single nucleotide variant.
Coding change: c.4837A>T on transcript NM_020919.4 (MANE Select); coding-DNA position 4837, A replaced by T.
Protein change: p.Arg1613Trp; replaces arginine 1613 with tryptophan.
Molecular consequence: missense variant.
Genome position (GRCh38, 1-based): chr2:201,704,455, T>A on the plus strand (A>T on the coding strand, the complement: ALS2 is on the minus strand). VCF-style: chr2-201704455-T-A. GRCh37 (hg19) VCF-style: chr2-202569178-T-A.
Other names: short protein forms R1613W.
Identifiers: ClinVar variation 858805 (VCV000858805.9), dbSNP rs1689578448, ClinGen allele CA350320573.

ClinVar aggregate classification (germline): Uncertain significance (1 of 4 stars; one submission).

Conditions:
Infantile-onset ascending hereditary spastic paralysis (IAHSP). Also called: Infantile-Onset Ascending Hereditary Spastic Paralysis (IAHSP); Autosomal Recessive Juvenile Amyotrophic Lateral Sclerosis. Identifiers: Orphanet 293168, MedGen C2931441, MONDO:0011797, OMIM 607225. Disease mechanism: loss of function.

Submission:

Labcorp Genetics (formerly Invitae), Labcorp
Classification: Uncertain significance for Infantile-onset ascending hereditary spastic paralysis. Last evaluated: 2019-04-12. Review status: criteria provided, single submitter. Criteria: Invitae Variant Classification Sherloc (09022015). Collection method: clinical testing. Allele origin: germline.
Comment: This sequence change replaces arginine with tryptophan at codon 1613 of the ALS2 protein (p.Arg1613Trp). The arginine residue is moderately conserved and there is a moderate physicochemical difference between arginine and tryptophan. This variant is not present in population databases (ExAC no frequency). This variant has not been reported in the literature in individuals with ALS2-related conditions. Algorithms developed to predict the effect of missense changes on protein structure and function are either unavailable or do not agree on the potential impact of this missense change (SIFT: "Deleterious"; PolyPhen-2: "Probably Damaging"; Align-GVGD: "Class C0"). Algorithms developed to predict the effect of sequence changes on RNA splicing suggest that this variant may disrupt the consensus splice site, but this prediction has not been confirmed by published transcriptional studies. In summary, the available evidence is currently insufficient to determine the role of this variant in disease. Therefore, it has been classified as a Variant of Uncertain Significance.